The following is an entry in ClinVar:

ClinVar aggregate classification (germline): Pathogenic (1 of 4 stars; one submission).

Conditions:
SLC2A1-related disorder. Also called: SLC2A1-related disorders; SLC2A1-related condition.

Submission:

Greenwood Genetic Center Diagnostic Laboratories, Greenwood Genetic Center
Classification: Pathogenic for SLC2A1-related disorder. Last evaluated: 2024-03-27. Review status: criteria provided, single submitter. Criteria: ACMG Guidelines, 2015. Collection method: clinical testing. Allele origin: germline. Affected: yes.
Comment: PVS1, PS2, PS4_Moderate, PM2, PM6_Strong, PP3

NM_006516.4(SLC2A1):c.972+1G>T

Gene: SLC2A1 (solute carrier family 2 member 1; minus strand). Cytogenetic location: 1p34.2.
Variant type: single nucleotide variant.
Coding change: c.972+1G>T on transcript NM_006516.4 (MANE Select); the canonical splice donor site of the intron after coding-DNA position 972, G replaced by T.
Molecular consequence: splice donor variant.
Genome position (GRCh38, 1-based): chr1:42,929,209, C>A on the plus strand (G>T on the coding strand, the complement: SLC2A1 is on the minus strand). VCF-style: chr1-42929209-C-A. GRCh37 (hg19) VCF-style: chr1-43394880-C-A.
Identifiers: ClinVar variation 3235822 (VCV003235822.1), dbSNP rs80359843, ClinGen allele CA21250498.